The following is an entry in ClinVar:

ClinVar aggregate classification (germline): Uncertain significance. Review status: criteria provided, multiple submitters, no conflicts (2 of 4 stars). 3 submissions from 3 submitters: Uncertain significance (3). Last evaluated 2025-08-22.

Conditions:
Inborn genetic diseases. Identifiers: MedGen C0950123, MeSH D030342.
Intellectual disability. Also called: Intellectual functioning disability; intellectual disabilities; Intellectual developmental disorder. Identifiers: MedGen C3714756, MeSH D008607, MONDO:0001071, HP:0001249.

Allele frequency attached by ClinVar (database versions not stated): gnomAD 0.00002.

Submissions (3):

Labcorp Genetics (formerly Invitae), Labcorp
Classification: Uncertain significance. Last evaluated: 2025-08-22. Review status: criteria provided, single submitter. Criteria: Invitae Variant Classification Sherloc (09022015). Collection method: clinical testing. Allele origin: germline.
Comment: This sequence change replaces glycine, which is neutral and non-polar, with glutamic acid, which is acidic and polar, at codon 322 of the ARID1B protein (p.Gly322Glu). The frequency data for this variant in the population databases is considered unreliable, as metrics indicate poor data quality at this position in the gnomAD database. This variant has not been reported in the literature in individuals affected with ARID1B-related conditions. ClinVar contains an entry for this variant (Variation ID: 1767695). Invitae Evidence Modeling of protein sequence and biophysical properties (such as structural, functional, and spatial information, amino acid conservation, physicochemical variation, residue mobility, and thermodynamic stability) indicates that this missense variant is not expected to disrupt ARID1B protein function with a negative predictive value of 95%. In summary, the available evidence is currently insufficient to determine the role of this variant in disease. Therefore, it has been classified as a Variant of Uncertain Significance.

Cambridge Genomics Laboratory, East Genomic Laboratory Hub, NHS Genomic Medicine Service
Classification: Uncertain significance for Intellectual disability. Last evaluated: 2019-11-06. Review status: criteria provided, single submitter. Criteria: ACGS Best Practice Guidelines for Variant Classification in Rare Disease 2020. Collection method: clinical testing. Allele origin: germline. Affected: yes. Observed: 1 variant allele.

Ambry Genetics
Classification: Uncertain significance for Inborn genetic diseases. Last evaluated: 2017-12-18. Review status: criteria provided, single submitter. Criteria: Ambry Variant Classification Scheme 2023. Collection method: clinical testing. Allele origin: germline.
Comment: The p.G322E variant (also known as c.965G>A), located in coding exon 1 of the ARID1B gene, results from a G to A substitution at nucleotide position 965. The glycine at codon 322 is replaced by glutamic acid, an amino acid with similar properties. This amino acid position is highly conserved in available vertebrate species. In addition, this alteration is predicted to be tolerated by in silico analysis. Since supporting evidence is limited at this time, the clinical significance of this alteration remains unclear.

NM_001374828.1(ARID1B):c.1214G>A (p.Gly405Glu)

Gene: ARID1B (AT-rich interaction domain 1B; plus strand). Cytogenetic location: 6q25.3.
Variant type: single nucleotide variant.
Coding change: c.1214G>A on transcript NM_001374828.1 (MANE Select); coding-DNA position 1214, G replaced by A.
Protein change: p.Gly405Glu; replaces glycine 405 with glutamic acid.
Molecular consequence: missense variant.
Genome position (GRCh38, 1-based): chr6:156,778,894, G>A. VCF-style: chr6-156778894-G-A. GRCh37 (hg19) VCF-style: chr6-157100028-G-A.
Other names: c.965G>A, p.Gly322Glu (NM_001346813.1, NM_020732.3); c.1214G>A, p.Gly405Glu (NM_001371656.1, NM_001374820.1, NM_017519.3); c.791G>A, p.Gly264Glu (NM_175863.2); short protein forms G264E, G322E, G405E.
Identifiers: ClinVar variation 1767695 (VCV001767695.8), dbSNP rs1193518744, ClinGen allele CA366383556.